The following is an entry in ClinVar:

NM_000384.3(APOB):c.9294C>T (p.Tyr3098=)

Gene: APOB (apolipoprotein B; minus strand). Cytogenetic location: 2p24.1.
Variant type: single nucleotide variant.
Coding change: c.9294C>T on transcript NM_000384.3 (MANE Select); coding-DNA position 9294, C replaced by T.
Protein change: p.Tyr3098=; no amino-acid change (tyrosine 3098 retained).
Molecular consequence: synonymous variant.
Genome position (GRCh38, 1-based): chr2:21,007,574, G>A on the plus strand (C>T on the coding strand, the complement: APOB is on the minus strand). VCF-style: chr2-21007574-G-A. GRCh37 (hg19) VCF-style: chr2-21230446-G-A.
Other names: p.Tyr3098=.
Identifiers: ClinVar variation 334114 (VCV000334114.70), dbSNP rs145777339, ClinGen allele CA066431.
Genomic context (GRCh38, chr2:21,007,574, plus strand): 5'-ATTTATTCCTACATGGGCCTCCATAATGTTCTCGTTGTTTCCAGCAGAGAAATTTTGGTT[G>A]TACTTATACTGATTGAACCTAGCACTTACTTGCCAACTTGCTTGCTGGGCACTGGGACTC-3'
Protein context (NP_000375.3, residues 3088-3108): QVSARFNQYK[Tyr3098=]NQNFSAGNNE

ClinVar aggregate classification (germline): Conflicting classifications of pathogenicity. Review status: criteria provided, conflicting classifications (1 of 4 stars). 16 submissions from 15 submitters: Uncertain significance (2); Benign (3); Likely benign (8). 3 of the submissions do not count toward it. Last evaluated 2026-06-01.

Conditions:
Hypercholesterolemia, familial, 1. Also called: LDL RECEPTOR DISORDER; Hyperlipoproteinemia Type IIa; HYPER-LOW-DENSITY-LIPOPROTEINEMIA; HYPERCHOLESTEROLEMIC XANTHOMATOSIS, FAMILIAL; Fredrickson type IIa hyperlipoproteinemia; Hyperlipoproteinemia type 2. Identifiers: Orphanet 391665, MedGen C0745103, MONDO:0007750, OMIM 143890.
Cardiovascular phenotype. Identifiers: MedGen CN230736.
Familial hypobetalipoproteinemia 1. Also called: APOB-Related Familial Hypobetalipoproteinemia; Hypobetalipoproteinemia, normotriglyceridemic; Acanthocytosis with hypobetalipoproteinemia. Identifiers: MedGen C4551990, MONDO:0014252, OMIM 615558.
Familial hypercholesterolemia. Also called: Familial hypercholesterolaemia; Familial hypercholesterolemias. Identifiers: MedGen C0020445, MONDO:0005439.
Hypercholesterolemia, autosomal dominant, type B (FHCL2). Also called: Familial hypercholesterolemia 2; APOB-Related Familial Hypercholesterolemia, Autosomal Dominant; APOLIPOPROTEIN B-100, FAMILIAL DEFECTIVE; APOLIPOPROTEIN B-100, FAMILIAL LIGAND-DEFECTIVE; Familial Hypercholesterolemia Type B; HYPERCHOLESTEROLEMIA, FAMILIAL, DUE TO LIGAND-DEFECTIVE APOLIPOPROTEIN B. Identifiers: MedGen C1704417, MONDO:0007751, OMIM 144010.
APOB-related disorder. Also called: APOB-related disorders; APOB-related condition.

Allele frequency attached by ClinVar (database versions not stated): 1000 Genomes Project 0.00100; 1000 Genomes Project 30x 0.00109; gnomAD 0.00136 and 0.00139; ESP Exome Variant Server 0.00138; TOPMed 0.00138; ExAC 0.00149; gnomAD exomes 0.00163 and 0.00221.
gnomAD v4.1: 3,401 of 1,614,050 alleles (0.21%); highest among the groups gnomAD compares: Non-Finnish European, 0.26%; 4 homozygotes.

Submissions (16):

CeGaT Center for Human Genetics Tuebingen
Classification: Likely benign. Last evaluated: 2026-06-01. Review status: criteria provided, single submitter. Criteria: CeGaT Center For Human Genetics Tuebingen Variant Classification Criteria Version 2. Collection method: clinical testing. Allele origin: germline. Affected: yes. Observed: 10 variant alleles.
Comment: APOB: BP4

Labcorp Genetics (formerly Invitae), Labcorp
Classification: Benign for Familial hypobetalipoproteinemia 1; Hypercholesterolemia, autosomal dominant, type B. Last evaluated: 2026-01-19. Review status: criteria provided, single submitter. Criteria: Invitae Variant Classification Sherloc (09022015). Collection method: clinical testing. Allele origin: germline.

Molecular Diagnostic Laboratory for Inherited Cardiovascular Disease, Montreal Heart Institute
Classification: Benign. Last evaluated: 2025-04-09. Review status: criteria provided, single submitter. Criteria: ACMG Guidelines, 2015. Collection method: clinical testing. Allele origin: germline. Affected: no.

ARUP Laboratories, Molecular Genetics and Genomics, ARUP Laboratories
Classification: Likely benign. Last evaluated: 2025-03-07. Review status: criteria provided, single submitter. Criteria: ARUP Molecular Germline Variant Investigation Process 2024. Collection method: clinical testing. Allele origin: germline.

GENinCode PLC
Classification: Likely benign for Familial hypercholesterolemia. Last evaluated: 2025-01-09. Review status: criteria provided, single submitter. Criteria: ACMG Guidelines, 2015. Collection method: clinical testing. Allele origin: germline.
Comment: This is a synonymous (silent) variant that is not predicted to impact splicing and occurs at a nucleotide which is not highly conserved. In addition, it has a PopMax FAF which is greater than expected for this disorder. This variant has been classified as Likely Benign (BS1, BP4, BP7).

Blueprint Genetics
Classification: Likely benign. Last evaluated: 2024-11-21. Review status: criteria provided, single submitter. Criteria: ACMG Guidelines, 2015. Collection method: clinical testing. Allele origin: germline.

Mayo Clinic Laboratories, Mayo Clinic
Classification: Likely benign. Last evaluated: 2024-08-16. Review status: criteria provided, single submitter. Criteria: ACMG Guidelines, 2015. Collection method: clinical testing. Allele origin: germline. Observed: 8 variant alleles.
Comment: BS1, BP4, BP7

Quest Diagnostics Nichols Institute San Juan Capistrano
Classification: Benign. Last evaluated: 2023-09-20. Review status: criteria provided, single submitter. Criteria: Quest Diagnostics criteria. Collection method: clinical testing. Allele origin: unknown.

GeneDx
Classification: Likely benign. Last evaluated: 2018-04-09. Review status: criteria provided, single submitter. Criteria: GeneDx Variant Classification (06012015). Collection method: clinical testing. Allele origin: germline. Affected: yes.
Comment: This variant is considered likely benign or benign based on one or more of the following criteria: it is a conservative change, it occurs at a poorly conserved position in the protein, it is predicted to be benign by multiple in silico algorithms, and/or has population frequency not consistent with disease.

Illumina Laboratory Services, Illumina
Classification: Uncertain significance for Hypercholesterolemia, autosomal dominant, type B. Last evaluated: 2018-01-12. Review status: criteria provided, single submitter. Criteria: ICSL Variant Classification Criteria 13 December 2019. Collection method: clinical testing. Allele origin: germline.

Illumina Laboratory Services, Illumina
Classification: Uncertain significance for Familial hypobetalipoproteinemia 1. Last evaluated: 2018-01-12. Review status: criteria provided, single submitter. Criteria: ICSL Variant Classification Criteria 13 December 2019. Collection method: clinical testing. Allele origin: germline.

Robarts Research Institute, Western University
Classification: Likely benign for Hypercholesterolemia, familial, 1. Last evaluated: 2018-01-02. Review status: criteria provided, single submitter. Criteria: ACMG Guidelines, 2015. Collection method: clinical testing. Allele origin: germline. Inheritance: Autosomal dominant inheritance. Affected: yes.

Ambry Genetics
Classification: Likely benign for Cardiovascular phenotype. Last evaluated: 2017-11-27. Review status: criteria provided, single submitter. Criteria: Ambry Variant Classification Scheme 2023. Collection method: clinical testing. Allele origin: germline.

PreventionGenetics, part of Exact Sciences
Classification: Likely benign for APOB-related condition. Last evaluated: 2021-06-15. Review status: no assertion criteria provided. Collection method: clinical testing. Allele origin: germline. Not counted in ClinVar's aggregate classification.
Comment: This variant is classified as likely benign based on ACMG/AMP sequence variant interpretation guidelines (Richards et al. 2015 PMID: 25741868, with internal and published modifications).

Clinical Genetics DNA and cytogenetics Diagnostics Lab, Erasmus MC, Erasmus Medical Center
Classification: Likely benign. Review status: no assertion criteria provided. Collection method: clinical testing. Allele origin: germline. Affected: yes. Study: VKGL Data-share Consensus. Not counted in ClinVar's aggregate classification.

Clinical Genetics, Academic Medical Center
Classification: Benign. Review status: no assertion criteria provided. Collection method: clinical testing. Allele origin: germline. Affected: yes. Study: VKGL Data-share Consensus. Not counted in ClinVar's aggregate classification.

Literature cited by the submitters: PubMed 19602640 (cited by Quest Diagnostics Nichols Institute San Juan Capistrano); PubMed 27365461 (cited by Quest Diagnostics Nichols Institute San Juan Capistrano); PubMed 30122538 (cited by Quest Diagnostics Nichols Institute San Juan Capistrano); PubMed 32706999 (cited by Quest Diagnostics Nichols Institute San Juan Capistrano); PubMed 32770674 (cited by Quest Diagnostics Nichols Institute San Juan Capistrano).